The following is an entry in ClinVar:

ClinVar aggregate classification (germline): Benign/Likely benign. Review status: criteria provided, multiple submitters, no conflicts (2 of 4 stars). 14 submissions from 14 submitters: Benign (9); Likely benign (5). Last evaluated 2026-01-27.

Conditions:
Age related macular degeneration 14. Also called: MACULAR DEGENERATION, AGE-RELATED, 14, REDUCED RISK OF. Identifiers: MedGen C3809653, MONDO:0014207, OMIM 615489.
Atypical hemolytic-uremic syndrome with B factor anomaly. Also called: HEMOLYTIC UREMIC SYNDROME, ATYPICAL, SUSCEPTIBILITY TO, 4; AHUS, SUSCEPTIBILITY TO, 4. Identifiers: Orphanet 2134, MedGen C2752038, MONDO:0013042, OMIM 612924.
Complement factor b deficiency. Identifiers: MedGen C3809950, MONDO:0014255, OMIM 615561.
Complement component 2 deficiency (C2D). Also called: C2 deficiency. Identifiers: MedGen C0398756, MONDO:0009006, OMIM 217000.
Atypical hemolytic-uremic syndrome. Identifiers: Orphanet 2134, MedGen C2931788, MONDO:0016244.

Allele frequency attached by ClinVar (database versions not stated): gnomAD 0.00391 and 0.00618; ESP Exome Variant Server 0.00438; TOPMed 0.00475; gnomAD exomes 0.00908; ExAC 0.01054; 1000 Genomes Project 30x 0.01889; 1000 Genomes Project 0.01917.
gnomAD v4.1: 7,747 of 1,613,030 alleles (0.48%); highest among the groups gnomAD compares: South Asian, 6%; 259 homozygotes.

Submissions (14):

Labcorp Genetics (formerly Invitae), Labcorp
Classification: Benign. Last evaluated: 2026-01-27. Review status: criteria provided, single submitter. Criteria: Invitae Variant Classification Sherloc (09022015). Collection method: clinical testing. Allele origin: germline.

Women's Health and Genetics/Laboratory Corporation of America, LabCorp
Classification: Likely benign. Last evaluated: 2026-01-22. Review status: criteria provided, single submitter. Criteria: LabCorp Variant Classification Summary - May 2015. Collection method: clinical testing. Allele origin: germline.

Genomenon, Inc
Classification: Benign for Atypical hemolytic-uremic syndrome. Last evaluated: 2025-09-26. Review status: criteria provided, single submitter. Criteria: Genomenon Sequence Variant Interpretation Standards - Updated. Collection method: curation. Allele origin: germline. Affected: no.
Comment: CFB p.Lys533Arg (c.1598A>G) is a missense variant that changes the amino acid at residue 533 from Lysine to Arginine. This variant is present at high allele frequency in population databases. In conclusion, we classify CFB p.Lys533Arg (c.1598A>G) as a benign variant.

Blueprint Genetics
Classification: Likely benign. Last evaluated: 2024-11-21. Review status: criteria provided, single submitter. Criteria: ACMG Guidelines, 2015. Collection method: clinical testing. Allele origin: germline.

Mayo Clinic Laboratories, Mayo Clinic
Classification: Benign. Last evaluated: 2022-11-23. Review status: criteria provided, single submitter. Criteria: ACMG Guidelines, 2015. Collection method: clinical testing. Allele origin: germline. Observed: 37 variant alleles.
Comment: BA1

Genome Diagnostics Laboratory, The Hospital for Sick Children
Classification: Benign for Atypical hemolytic-uremic syndrome. Last evaluated: 2022-06-24. Review status: criteria provided, single submitter. Criteria: ACMG Guidelines, 2015. Collection method: clinical testing. Allele origin: germline.

Fulgent Genetics
Classification: Benign for Atypical hemolytic-uremic syndrome with B factor anomaly; Age related macular degeneration 14; Complement factor b deficiency. Last evaluated: 2022-04-07. Review status: criteria provided, single submitter. Criteria: ACMG Guidelines, 2015. Collection method: clinical testing. Allele origin: unknown.

GeneDx
Classification: Benign. Last evaluated: 2021-03-22. Review status: criteria provided, single submitter. Criteria: GeneDx Variant Classification Process June 2021. Collection method: clinical testing. Allele origin: germline. Affected: yes.
Comment: This variant is associated with the following publications: (PMID: 20108004, 26911616, 33213850, 28939980, 28710236, 24652797, 30046676, 33238263, 27884173, 20513133)

Mendelics
Classification: Benign for Complement component 2 deficiency. Last evaluated: 2019-05-28. Review status: criteria provided, single submitter. Criteria: Mendelics Assertion Criteria 2017. Collection method: clinical testing. Allele origin: unknown.

Illumina Laboratory Services, Illumina
Classification: Likely benign for Atypical hemolytic-uremic syndrome with B factor anomaly. Last evaluated: 2017-04-27. Review status: criteria provided, single submitter. Criteria: ICSL Variant Classification Criteria 13 December 2019. Collection method: clinical testing. Allele origin: germline.
Comment: This variant was observed as part of a predisposition screen in an ostensibly healthy population. A literature search was performed for the gene, cDNA change, and amino acid change (where applicable). Publications were found based on this search. The evidence from the literature, in combination with allele frequency data from public databases where available, was sufficient to determine this variant is unlikely to cause disease. Therefore, this variant is classified as likely benign.

Center for Pediatric Genomic Medicine, Children's Mercy Hospital and Clinics
Classification: Benign. Last evaluated: 2017-02-09. Review status: criteria provided, single submitter. Criteria: ACMG Guidelines, 2015. Collection method: clinical testing. Allele origin: germline.

Laboratory for Molecular Medicine, Mass General Brigham Personalized Medicine
Classification: Benign. Last evaluated: 2016-03-28. Review status: criteria provided, single submitter. Criteria: LMM Criteria. Collection method: clinical testing. Allele origin: germline.
Comment: Variant identified in a genome or exome case(s) and assessed due to predicted null impact of the variant or pathogenic assertions in the literature or databases. Disclaimer: This variant has not undergone full assessment. The following are preliminary notes: MAF 5.8% in South Asian chr in ExAC.

Soonchunhyang University Bucheon Hospital, Soonchunhyang University Medical Center
Classification: Likely benign for Complement factor b deficiency. Last evaluated: 2016-03-18. Review status: criteria provided, single submitter. Criteria: ACMG Guidelines, 2015. Collection method: reference population. Allele origin: germline. Observed: 2 variant alleles.

Breakthrough Genomics
Classification: Likely benign. Review status: criteria provided, single submitter. Criteria: ACMG Guidelines, 2015. Collection method: not provided. Allele origin: germline. Inheritance: Autosomal recessive inheritance. Affected: yes.

Literature cited by the submitters: PubMed 20513133 (cited by Illumina Laboratory Services, Illumina); PubMed 20108004 (cited by Illumina Laboratory Services, Illumina and Soonchunhyang University Bucheon Hospital, Soonchunhyang University Medical Center); PubMed 24652797 (cited by Soonchunhyang University Bucheon Hospital, Soonchunhyang University Medical Center).

NM_001710.6(CFB):c.1598A>G (p.Lys533Arg)

Gene: CFB (complement factor B; plus strand). Cytogenetic location: 6p21.33.
Variant type: single nucleotide variant.
Coding change: c.1598A>G on transcript NM_001710.6 (MANE Select); coding-DNA position 1598, A replaced by G.
Protein change: p.Lys533Arg; replaces lysine 533 with arginine.
Molecular consequence: missense variant.
Genome position (GRCh38, 1-based): chr6:31,950,377, A>G. VCF-style: chr6-31950377-A-G. GRCh37 (hg19) VCF-style: chr6-31918154-A-G.
Other names: short protein forms K533R.
Identifiers: ClinVar variation 225313 (VCV000225313.28), dbSNP rs149101394, ClinGen allele CA3728371.